The following is an entry in ClinVar:

NM_000512.5(GALNS):c.491A>G (p.Asn164Ser)

Gene: GALNS (galactosamine (N-acetyl)-6-sulfatase; minus strand). Cytogenetic location: 16q24.3.
Variant type: single nucleotide variant.
Coding change: c.491A>G on transcript NM_000512.5 (MANE Select); coding-DNA position 491, A replaced by G.
Protein change: p.Asn164Ser; replaces asparagine 164 with serine.
Molecular consequence: missense variant. On other transcripts: 5 prime UTR variant (1).
Genome position (GRCh38, 1-based): chr16:88,837,697, T>C on the plus strand (A>G on the coding strand, the complement: GALNS is on the minus strand). VCF-style: chr16-88837697-T-C. GRCh37 (hg19) VCF-style: chr16-88904105-T-C.
Other names: c.-65A>G (NM_001323543.2); c.509A>G, p.Asn170Ser (NM_001323544.2); short protein forms N164S, N170S.
Identifiers: ClinVar variation 1048195 (VCV001048195.10), dbSNP rs761725425, ClinGen allele CA8235126.
Genomic context (GRCh38, chr16:88,837,697, plus strand): 5'-CAGTCCCTGTACACAGGGATGTTGGGCCTGGCCTTGTTGTCATAAGGTCCAAAGTGGCAG[T>C]TGGGGGATCCAAACCACTCATCAAATCCGTGCTTCAGGGGGTGGAACTGGGGCCTGTGAC-3'
Protein context (NP_000503.1, residues 154-174): HGFDEWFGSP[Asn164Ser]CHFGPYDNKA

ClinVar aggregate classification (germline): Conflicting classifications of pathogenicity. Review status: criteria provided, conflicting classifications (1 of 4 stars). 3 submissions from 3 submitters: Pathogenic (2); Uncertain significance (1). Last evaluated 2025-02-13.

Conditions:
Mucopolysaccharidosis, MPS-IV-A (MPS4A). Also called: Mucopolysaccharidosis type IV A; Mucopolysaccharidosis Type IVA; Morquio syndrome A, mild; MORQUIO SYNDROME A; MPS IVA; mucopolysaccharidosis type 4A. Identifiers: Orphanet 309297, Orphanet 582, MedGen C0086651, MONDO:0009659, OMIM 253000.
Morquio syndrome. Also called: Mucopolysaccharidosis, Type IV; MPS IV; Mucopolysaccharidosis type 4; Eccentrochondrodysplasia. Identifiers: Orphanet 582, MedGen C0026707, MONDO:0018938.

Allele frequency attached by ClinVar (database versions not stated): gnomAD exomes below 0.00001.
gnomAD v4.1: 5 of 1,613,928 alleles (0.00031%); highest among the groups gnomAD compares: Non-Finnish European, 0.00042%; no homozygotes.

Submissions (3):

Women's Health and Genetics/Laboratory Corporation of America, LabCorp
Classification: Pathogenic for Morquio syndrome. Last evaluated: 2025-02-13. Review status: criteria provided, single submitter. Criteria: LabCorp Variant Classification Summary - May 2015. Collection method: clinical testing. Allele origin: germline.
Comment: Variant summary: GALNS c.491A>G (p.Asn164Ser) results in a conservative amino acid change located in the Sulfatase domain (IPR000917) of the encoded protein sequence. Three of five in-silico tools predict a damaging effect of the variant on protein function. The variant allele was found at a frequency of 8e-06 in 251346 control chromosomes. c.491A>G has been reported in the literature in compound heterozygous individuals affected with Mucopolysaccharidosis Type IVA (Morquio Syndrome A) (e.g. Zanetti_2021, Labcorp (formerly Invitae)). These data indicate that the variant may be associated with disease. At least one publication reports experimental evidence evaluating an impact on protein function. The most pronounced variant effect results in <10% of normal enzyme activity (e.g. Zanetti_2021). A different variant located at the same codon (c.491A>C, p.N164T) has been classified as pathogenic by our lab, supporting a critical relevance of this residue to GALNS protein function. The following publication has been ascertained in the context of this evaluation (PMID: 34387910). ClinVar contains an entry for this variant (Variation ID: 1048195). Based on the evidence outlined above, the variant was classified as pathogenic.

Labcorp Genetics (formerly Invitae), Labcorp
Classification: Pathogenic for Mucopolysaccharidosis, MPS-IV-A. Last evaluated: 2024-01-24. Review status: criteria provided, single submitter. Criteria: Invitae Variant Classification Sherloc (09022015). Collection method: clinical testing. Allele origin: germline.
Comment: This sequence change replaces asparagine, which is neutral and polar, with serine, which is neutral and polar, at codon 164 of the GALNS protein (p.Asn164Ser). This variant is present in population databases (rs761725425, gnomAD 0.002%). This missense change has been observed in individual(s) with clinical features of mucopolysaccharidosis IVA (Invitae). In at least one individual the data is consistent with being in trans (on the opposite chromosome) from a pathogenic variant. ClinVar contains an entry for this variant (Variation ID: 1048195). Advanced modeling of protein sequence and biophysical properties (such as structural, functional, and spatial information, amino acid conservation, physicochemical variation, residue mobility, and thermodynamic stability) performed at Invitae indicates that this missense variant is expected to disrupt GALNS protein function with a positive predictive value of 95%. This variant disrupts the p.Asn164 amino acid residue in GALNS. Other variant(s) that disrupt this residue have been determined to be pathogenic (PMID: 15309681). This suggests that this residue is clinically significant, and that variants that disrupt this residue are likely to be disease-causing. For these reasons, this variant has been classified as Pathogenic.

Laboratory of Diagnosis and Therapy of Lysosomal Disorders, University of Padova
Classification: Uncertain significance for Mucopolysaccharidosis, MPS-IV-A. Last evaluated: 2021-02-01. Review status: criteria provided, single submitter. Criteria: ACMG Guidelines, 2015. Collection method: research. Allele origin: germline. Affected: yes.
Comment: The prevalence of the variant in affected individuals is significantly increased compared with the prevalence in controls (PS4_supporting); very low frequency in gnomAD v2.1.1 (PM2_moderate)

Literature cited by the submitters: PubMed 34387910 (cited by Women's Health and Genetics/Laboratory Corporation of America, LabCorp and Laboratory of Diagnosis and Therapy of Lysosomal Disorders, University of Padova); PubMed 15309681 (cited by Labcorp Genetics (formerly Invitae), Labcorp).